The following is an entry in ClinVar:

ClinVar aggregate classification (germline): Benign (1 of 4 stars; one submission).

Conditions:
Complement component 3 deficiency. Identifiers: Orphanet 280133, MedGen C3151071, MONDO:0013417, OMIM 613779.
C3 glomerulonephritis. Also called: Nephropathy due to CFHR5 Deficiency; C3 GLOMERULOPATHY 3. Identifiers: Orphanet 329931, MedGen C4055342, MONDO:0013892, OMIM 614809.
Atypical hemolytic-uremic syndrome. Identifiers: Orphanet 2134, MedGen C2931788, MONDO:0016244.

gnomAD v4.1: 8,291 of 1,604,382 alleles (0.52%); highest among the groups gnomAD compares: Middle Eastern, 1.1%; 32 homozygotes.

Submission:

Genomenon, Inc
Classification: Benign for Complement component 3 deficiency; C3 glomerulonephritis; Atypical hemolytic-uremic syndrome. Last evaluated: 2025-09-30. Review status: criteria provided, single submitter. Criteria: Genomenon Sequence Variant Interpretation Standards. Collection method: curation. Allele origin: germline. Affected: no.
Comment: C3 c.4260+39C>A is an intronic variant located in intron 34. This variant has been reported in the published literature (PMID:39690307). This variant is present at high allele frequency in population databases. In conclusion, we classify C3 c.4260+39C>A as a benign variant.

Literature cited by the submitters: PubMed 39690307.

NM_000064.4(C3):c.4260+39C>A

Gene: C3 (complement C3; minus strand). Cytogenetic location: 19p13.3.
Variant type: single nucleotide variant.
Coding change: c.4260+39C>A on transcript NM_000064.4 (MANE Select); 39 bases into the intron after coding-DNA position 4260, C replaced by A.
Molecular consequence: intron variant.
Genome position (GRCh38, 1-based): chr19:6,682,103, G>T on the plus strand (C>A on the coding strand, the complement: C3 is on the minus strand). VCF-style: chr19-6682103-G-T. GRCh37 (hg19) VCF-style: chr19-6682114-G-T.
Identifiers: ClinVar variation 4280257 (VCV004280257.1).